The following is an entry in ClinVar:

NM_018489.3(ASH1L):c.3289G>A (p.Ala1097Thr)

Gene: ASH1L (ASH1 like histone lysine methyltransferase; minus strand). Cytogenetic location: 1q22.
Variant type: single nucleotide variant.
Coding change: c.3289G>A on transcript NM_018489.3 (MANE Select); coding-DNA position 3289, G replaced by A.
Protein change: p.Ala1097Thr; replaces alanine 1097 with threonine.
Molecular consequence: missense variant.
Genome position (GRCh38, 1-based): chr1:155,479,581, C>T on the plus strand (G>A on the coding strand, the complement: ASH1L is on the minus strand). VCF-style: chr1-155479581-C-T. GRCh37 (hg19) VCF-style: chr1-155449372-C-T.
Other names: c.3289G>A, p.Ala1097Thr (NM_001366177.2); short protein forms A1097T.
Identifiers: ClinVar variation 2126805 (VCV002126805.4), dbSNP rs1665810368, ClinGen allele CA342712785.

ClinVar aggregate classification (germline): Uncertain significance (1 of 4 stars; one submission).

Allele frequency attached by ClinVar (database versions not stated): gnomAD exomes below 0.00001; gnomAD 0.00001.
gnomAD v4.1: 2 of 1,614,072 alleles (0.00012%); highest among the groups gnomAD compares: South Asian, 0.0011%; no homozygotes.

Submission:

Labcorp Genetics (formerly Invitae), Labcorp
Classification: Uncertain significance. Last evaluated: 2022-04-16. Review status: criteria provided, single submitter. Criteria: Invitae Variant Classification Sherloc (09022015). Collection method: clinical testing. Allele origin: germline.
Comment: In summary, the available evidence is currently insufficient to determine the role of this variant in disease. Therefore, it has been classified as a Variant of Uncertain Significance. Algorithms developed to predict the effect of missense changes on protein structure and function are either unavailable or do not agree on the potential impact of this missense change (SIFT: "Tolerated"; PolyPhen-2: "Possibly Damaging"; Align-GVGD: "Class C0"). This variant has not been reported in the literature in individuals affected with ASH1L-related conditions. This variant is not present in population databases (gnomAD no frequency). This sequence change replaces alanine, which is neutral and non-polar, with threonine, which is neutral and polar, at codon 1097 of the ASH1L protein (p.Ala1097Thr).